The following is an entry in ClinVar:

NM_003458.4(BSN):c.1946T>C (p.Val649Ala)

Gene: BSN (bassoon presynaptic cytomatrix protein; plus strand). Cytogenetic location: 3p21.31.
Variant type: single nucleotide variant.
Coding change: c.1946T>C on transcript NM_003458.4 (MANE Select); coding-DNA position 1946, T replaced by C.
Protein change: p.Val649Ala; replaces valine 649 with alanine.
Molecular consequence: missense variant.
Genome position (GRCh38, 1-based): chr3:49,651,039, T>C. VCF-style: chr3-49651039-T-C. GRCh37 (hg19) VCF-style: chr3-49688472-T-C.
Other names: short protein forms V649A.
Identifiers: ClinVar variation 3135236 (VCV003135236.3), dbSNP rs142488750, ClinGen allele CA2399682.

ClinVar aggregate classification (germline): Uncertain significance. Review status: criteria provided, multiple submitters, no conflicts (2 of 4 stars). 2 submissions from 2 submitters: Uncertain significance (2). Last evaluated 2024-11-13.

Allele frequency attached by ClinVar (database versions not stated): ESP Exome Variant Server 0.00015; TOPMed 0.00031; gnomAD exomes 0.00004; gnomAD 0.00025; ExAC 0.00012.
gnomAD v4.1: 110 of 1,613,052 alleles (0.0068%); highest among the groups gnomAD compares: African/African-American, 0.075%; no homozygotes.

Submissions (2):

Ambry Genetics
Classification: Uncertain significance. Last evaluated: 2024-11-13. Review status: criteria provided, single submitter. Criteria: Ambry Variant Classification Scheme 2023. Collection method: clinical testing. Allele origin: germline.

GeneDx
Classification: Uncertain significance. Last evaluated: 2023-07-21. Review status: criteria provided, single submitter. Criteria: GeneDx Variant Classification Process June 2021. Collection method: clinical testing. Allele origin: germline. Affected: yes.
Comment: In silico analysis supports that this missense variant does not alter protein structure/function; Has not been previously published as pathogenic or benign to our knowledge; Variants in candidate genes are classified as variants of uncertain significance in accordance with ACMG guidelines (Richards et al., 2015)